The following is an entry in ClinVar:

ClinVar aggregate classification (germline): Uncertain significance (1 of 4 stars; one submission).

Conditions:
Early-infantile DEE. Also called: Ohtahara syndrome; Early infantile epileptic encephalopathy with suppression bursts; Early infantile epileptic encephalopathy. Identifiers: Orphanet 1934, MedGen C0393706, MONDO:0800491.

Submission:

Labcorp Genetics (formerly Invitae), Labcorp
Classification: Uncertain significance for Early-infantile DEE. Last evaluated: 2022-03-19. Review status: criteria provided, single submitter. Criteria: Invitae Variant Classification Sherloc (09022015). Collection method: clinical testing. Allele origin: germline.
Comment: This sequence change replaces histidine, which is basic and polar, with tyrosine, which is neutral and polar, at codon 96 of the KCNQ2 protein (p.His96Tyr). This variant is not present in population databases (gnomAD no frequency). In summary, the available evidence is currently insufficient to determine the role of this variant in disease. Therefore, it has been classified as a Variant of Uncertain Significance. Advanced modeling of protein sequence and biophysical properties (such as structural, functional, and spatial information, amino acid conservation, physicochemical variation, residue mobility, and thermodynamic stability) performed at Invitae indicates that this missense variant is expected to disrupt KCNQ2 protein function. ClinVar contains an entry for this variant (Variation ID: 856094). This missense change has been observed in individual(s) with clinical features of KCNQ2-related conditions (Invitae).

NM_172107.4(KCNQ2):c.286C>T (p.His96Tyr)

Gene: KCNQ2 (potassium voltage-gated channel subfamily Q member 2; minus strand). Cytogenetic location: 20q13.33.
Variant type: single nucleotide variant.
Coding change: c.286C>T on transcript NM_172107.4 (MANE Select); coding-DNA position 286, C replaced by T.
Protein change: p.His96Tyr; replaces histidine 96 with tyrosine.
Molecular consequence: missense variant.
Genome position (GRCh38, 1-based): chr20:63,472,178, G>A on the plus strand (C>T on the coding strand, the complement: KCNQ2 is on the minus strand). VCF-style: chr20-63472178-G-A. GRCh37 (hg19) VCF-style: chr20-62103531-G-A.
Other names: c.286C>T, p.His96Tyr (NM_004518.6, NM_172106.3, NM_172108.5 and 1 more transcripts); short protein forms H96Y.
Identifiers: ClinVar variation 856094 (VCV000856094.10), dbSNP rs2082232988, ClinGen allele CA409634989.